The following is an entry in ClinVar:

ClinVar aggregate classification (germline): Likely benign. Review status: criteria provided, multiple submitters, no conflicts (2 of 4 stars). 4 submissions from 4 submitters: Likely benign (3). 1 of the submissions does not count toward it. Last evaluated 2025-08-04.

Conditions:
RAD50-related disorder. Also called: RAD50-related condition.
Hereditary cancer-predisposing syndrome. Also called: Tumor predisposition; Hereditary Cancer Syndrome; Hereditary neoplastic syndrome; Neoplastic Syndromes, Hereditary. Identifiers: Orphanet 140162, MedGen C0027672, MeSH D009386, MONDO:0015356.

Allele frequency attached by ClinVar (database versions not stated): gnomAD 0.00002; TOPMed 0.00002; gnomAD exomes 0.00004; ExAC 0.00006; ESP Exome Variant Server 0.00008.
gnomAD v4.1: 65 of 1,613,454 alleles (0.004%); highest among the groups gnomAD compares: Non-Finnish European, 0.0046%; no homozygotes.

Submissions (4):

Labcorp Genetics (formerly Invitae), Labcorp
Classification: Likely benign for Hereditary cancer-predisposing syndrome. Last evaluated: 2025-08-04. Review status: criteria provided, single submitter. Criteria: Invitae Variant Classification Sherloc (09022015). Collection method: clinical testing. Allele origin: germline.

Quest Diagnostics Nichols Institute San Juan Capistrano
Classification: Likely benign. Last evaluated: 2023-08-16. Review status: criteria provided, single submitter. Criteria: Quest Diagnostics criteria. Collection method: clinical testing. Allele origin: unknown.

Ambry Genetics
Classification: Likely benign for Hereditary cancer-predisposing syndrome. Last evaluated: 2015-08-07. Review status: criteria provided, single submitter. Criteria: Ambry Variant Classification Scheme 2023. Collection method: clinical testing. Allele origin: germline.

PreventionGenetics, part of Exact Sciences
Classification: Likely benign for RAD50-related condition. Last evaluated: 2023-02-01. Review status: no assertion criteria provided. Collection method: clinical testing. Allele origin: germline. Not counted in ClinVar's aggregate classification.
Comment: This variant is classified as likely benign based on ACMG/AMP sequence variant interpretation guidelines (Richards et al. 2015 PMID: 25741868, with internal and published modifications).

NM_005732.4(RAD50):c.1540T>C (p.Leu514=)

Gene: RAD50 (RAD50 double strand break repair protein; plus strand). Cytogenetic location: 5q31.1.
Variant type: single nucleotide variant.
Coding change: c.1540T>C on transcript NM_005732.4 (MANE Select); coding-DNA position 1540, T replaced by C.
Protein change: p.Leu514=; no amino-acid change (leucine 514 retained).
Molecular consequence: synonymous variant.
Genome position (GRCh38, 1-based): chr5:132,591,311, T>C. VCF-style: chr5-132591311-T-C. GRCh37 (hg19) VCF-style: chr5-131927003-T-C.
Identifiers: ClinVar variation 183908 (VCV000183908.19), dbSNP rs199702045, ClinGen allele CA186950.